The following is an entry in ClinVar:

NM_003105.6(SORL1):c.2212G>A (p.Gly738Arg)

Gene: SORL1 (sortilin related receptor 1; plus strand). Cytogenetic location: 11q24.1.
Variant type: single nucleotide variant.
Coding change: c.2212G>A on transcript NM_003105.6 (MANE Select); coding-DNA position 2212, G replaced by A.
Protein change: p.Gly738Arg; replaces glycine 738 with arginine.
Molecular consequence: missense variant.
Genome position (GRCh38, 1-based): chr11:121,550,616, G>A. VCF-style: chr11-121550616-G-A. GRCh37 (hg19) VCF-style: chr11-121421325-G-A.
Other names: short protein forms G738R.
Identifiers: ClinVar variation 4737625 (VCV004737625.1).

ClinVar aggregate classification (germline): Uncertain significance (1 of 4 stars; one submission).

gnomAD v4.1: 9 of 1,614,026 alleles (0.00056%); highest among the groups gnomAD compares: African/African-American, 0.0013%; no homozygotes.

Submission:

Labcorp Genetics (formerly Invitae), Labcorp
Classification: Uncertain significance. Last evaluated: 2025-11-26. Review status: criteria provided, single submitter. Criteria: Invitae Variant Classification Sherloc (09022015). Collection method: clinical testing. Allele origin: germline.
Comment: This sequence change replaces glycine, which is neutral and non-polar, with arginine, which is basic and polar, at codon 738 of the SORL1 protein (p.Gly738Arg). This variant is present in population databases (rs772099153, gnomAD 0.007%). This missense change has been observed in individual(s) with Alzheimer disease (PMID: 28789839). An algorithm developed to predict the effect of missense changes on protein structure and function (PolyPhen-2) suggests that this variant is likely to be disruptive. In summary, the available evidence is currently insufficient to determine the role of this variant in disease. Therefore, it has been classified as a Variant of Uncertain Significance.

Literature cited by the submitters: PubMed 28789839.